The following is an entry in ClinVar:

NM_016151.4(TAOK2):c.2811dup (p.Cys938fs)

Gene: TAOK2 (TAO kinase 2; plus strand). Cytogenetic location: 16p11.2.
Variant type: Duplication.
Coding change: c.2811dup on transcript NM_016151.4 (MANE Select); coding-DNA position 2811, one base duplicated (C; older notation c.2811dupC).
Protein change: p.Cys938fs; shifts the reading frame from cysteine 938.
Molecular consequence: frameshift variant. On other transcripts: intron variant (1).
Genome position (GRCh38, 1-based): chr16:29,987,083, C duplicated; the last of 3 consecutive C bases (chr16:29,987,081-29,987,083); duplicating any one gives the same sequence. VCF-style (leftmost placement, unchanged base first): chr16-29987080-G-GC. GRCh37 (hg19) VCF-style: chr16-29998401-G-GC.
Other names: c.2472dup, p.Cys825fs (NM_001252043.2); c.2232+579dup (NM_004783.4); short protein forms C825fs, C938fs.
Identifiers: ClinVar variation 1502376 (VCV001502376.9), dbSNP rs765474532, ClinGen allele CA7998443.

ClinVar aggregate classification (germline): Uncertain significance. Review status: criteria provided, multiple submitters, no conflicts (2 of 4 stars). 2 submissions from 2 submitters: Uncertain significance (2). Last evaluated 2025-03-24.

Conditions:
TAOK2-associated neurodevelopmental disorder.

Submissions (2):

Institute of Human Genetics, University of Leipzig Medical Center
Classification: Uncertain significance for TAOK2-associated neurodevelopmental disorder. Last evaluated: 2025-03-24. Review status: criteria provided, single submitter. Criteria: ACMG Guidelines, 2015. Collection method: clinical testing. Allele origin: unknown. Inheritance: Autosomal dominant inheritance. Affected: yes.
Comment: Criteria applied: PVS1_STR

Labcorp Genetics (formerly Invitae), Labcorp
Classification: Uncertain significance. Last evaluated: 2022-02-05. Review status: criteria provided, single submitter. Criteria: Invitae Variant Classification Sherloc (09022015). Collection method: clinical testing. Allele origin: germline.
Comment: In summary, the available evidence is currently insufficient to determine the role of this variant in disease. Therefore, it has been classified as a Variant of Uncertain Significance. Experimental studies and prediction algorithms are not available or were not evaluated, and the functional significance of this variant is currently unknown. This variant has not been reported in the literature in individuals affected with TAOK2-related conditions. This variant is not present in population databases (gnomAD no frequency). This sequence change creates a premature translational stop signal (p.Cys938Leufs*56) in the TAOK2 gene. While this is not anticipated to result in nonsense mediated decay, it is expected to disrupt the last 298 amino acid(s) of the TAOK2 protein.

Literature cited by the submitters: PubMed 39737487 (cited by Institute of Human Genetics, University of Leipzig Medical Center).